The following is an entry in ClinVar:

ClinVar aggregate classification (germline): Uncertain significance (1 of 4 stars; one submission).

Conditions:
Early-infantile DEE. Also called: Early infantile epileptic encephalopathy; Early infantile epileptic encephalopathy with suppression bursts; Ohtahara syndrome. Identifiers: Orphanet 1934, MedGen C0393706, MONDO:0800491.

Submission:

Labcorp Genetics (formerly Invitae), Labcorp
Classification: Uncertain significance for Early-infantile DEE. Last evaluated: 2025-09-10. Review status: criteria provided, single submitter. Criteria: Invitae Variant Classification Sherloc (09022015). Collection method: clinical testing. Allele origin: germline.
Comment: This sequence change replaces glutamine, which is neutral and polar, with histidine, which is basic and polar, at codon 1847 of the SPTAN1 protein (p.Gln1847His). This variant is not present in population databases (gnomAD no frequency). This variant has not been reported in the literature in individuals affected with SPTAN1-related conditions. Invitae Evidence Modeling of protein sequence and biophysical properties (such as structural, functional, and spatial information, amino acid conservation, physicochemical variation, residue mobility, and thermodynamic stability) has been performed for this missense variant. However, the output from this modeling did not meet the statistical confidence thresholds required to predict the impact of this variant on SPTAN1 protein function. In summary, the available evidence is currently insufficient to determine the role of this variant in disease. Therefore, it has been classified as a Variant of Uncertain Significance.

NM_001130438.3(SPTAN1):c.5541G>T (p.Gln1847His)

Gene: SPTAN1 (spectrin alpha, non-erythrocytic 1; plus strand). Cytogenetic location: 9q34.11.
Variant type: single nucleotide variant.
Coding change: c.5541G>T on transcript NM_001130438.3 (MANE Select); coding-DNA position 5541, G replaced by T.
Protein change: p.Gln1847His; replaces glutamine 1847 with histidine.
Molecular consequence: missense variant.
Genome position (GRCh38, 1-based): chr9:128,618,049, G>T. VCF-style: chr9-128618049-G-T. GRCh37 (hg19) VCF-style: chr9-131380328-G-T.
Other names: c.5466G>T, p.Gln1822His (NM_001195532.2, NM_001438441.1, NM_001438444.1); c.5541G>T, p.Gln1847His (NM_001363759.2, NM_001375310.1, NM_001375311.2 and 1 more transcripts); c.5481G>T, p.Gln1827His (NM_001363765.2, NM_001375314.2, NM_001438442.1); c.5577G>T, p.Gln1859His (NM_001375312.2, NM_001375318.1, NM_001438440.1); c.5526G>T, p.Gln1842His (NM_001438443.1, NM_001438445.1, NM_003127.4); short protein forms Q1822H, Q1827H, Q1842H, Q1847H, Q1859H.
Identifiers: ClinVar variation 4801857 (VCV004801857.1).
Genomic context (GRCh38, chr9:128,618,049, plus strand): 5'-TGTCCTGGACACTGGCAAGAAGCTGTCCGATGACAACACCATCGGGAAAGAGGAGATCCA[G>T]CAGCGGCTGGCGCAGTTTGTGGAGCACTGGAAAGAGCTGAAGCAGCTGGCAGCTGCCCGG-3'
Protein context (NP_001123910.1, residues 1837-1857): DDNTIGKEEI[Gln1847His]QRLAQFVEHW